The following is an entry in ClinVar:

ClinVar aggregate classification (germline): Uncertain significance (1 of 4 stars; one submission).

Conditions:
Long QT syndrome (LQTS). Identifiers: MedGen C0023976, MeSH D008133, MONDO:0002442. Disease mechanism: loss of function. Inheritance: Various modes of inheritance.

Submission:

Labcorp Genetics (formerly Invitae), Labcorp
Classification: Uncertain significance for Long QT syndrome. Last evaluated: 2022-11-07. Review status: criteria provided, single submitter. Criteria: Invitae Variant Classification Sherloc (09022015). Collection method: clinical testing. Allele origin: germline.
Comment: In summary, the available evidence is currently insufficient to determine the role of this variant in disease. Therefore, it has been classified as a Variant of Uncertain Significance. Advanced modeling of protein sequence and biophysical properties (such as structural, functional, and spatial information, amino acid conservation, physicochemical variation, residue mobility, and thermodynamic stability) performed at Invitae indicates that this missense variant is expected to disrupt KCNQ1 protein function. ClinVar contains an entry for this variant (Variation ID: 1424582). This variant has not been reported in the literature in individuals affected with KCNQ1-related conditions. This variant is not present in population databases (gnomAD no frequency). This sequence change replaces glutamine, which is neutral and polar, with glutamic acid, which is acidic and polar, at codon 361 of the KCNQ1 protein (p.Gln361Glu).

NM_000218.3(KCNQ1):c.1081C>G (p.Gln361Glu)

Gene: KCNQ1 (potassium voltage-gated channel subfamily Q member 1; plus strand). Cytogenetic location: 11p15.5.
Variant type: single nucleotide variant.
Coding change: c.1081C>G on transcript NM_000218.3 (MANE Select); coding-DNA position 1081, C replaced by G.
Protein change: p.Gln361Glu; replaces glutamine 361 with glutamic acid.
Molecular consequence: missense variant.
Genome position (GRCh38, 1-based): chr11:2,585,260, C>G. VCF-style: chr11-2585260-C-G. GRCh37 (hg19) VCF-style: chr11-2606490-C-G.
Other names: c.811C>G, p.Gln271Glu (NM_001406837.1); c.700C>G, p.Gln234Glu (NM_181798.2); short protein forms Q361E, Q234E, Q271E.
Identifiers: ClinVar variation 1424582 (VCV001424582.9), dbSNP rs794728571, ClinGen allele CA379133782.